The following is an entry in ClinVar:

ClinVar aggregate classification (germline): Likely pathogenic (1 of 4 stars; one submission).

Conditions:
Autosomal dominant familial hematuria-retinal arteriolar tortuosity-contractures syndrome. Also called: Angiopathy, hereditary, with nephropathy, aneurysms, and muscle cramps; Hereditary Angiopathy with Nephropathy, Aneurysms, and Muscle Cramps (HANAC) Syndrome. Identifiers: Orphanet 73229, MedGen C2673195, MONDO:0012726, OMIM 611773.

Submission:

3billion
Classification: Likely pathogenic for Autosomal dominant familial hematuria-retinal arteriolar tortuosity-contractures syndrome. Last evaluated: 2023-02-23. Review status: criteria provided, single submitter. Criteria: ACMG Guidelines, 2015. Collection method: clinical testing. Allele origin: unknown. Affected: yes.
Comment: The variant is not observed in the gnomAD v2.1.1 dataset. The variant is located in a mutational hot spot and/or well-established functional domain in which established pathogenic variants have been reported. In silico tool predictions suggest damaging effect of the variant on gene or gene product (REVEL: 0.95). Also, this variant is predicted to lead to truncated protein by alternate splicing. (SpliceAI: 0.72) Therefore, this variant is classified as Likely pathogenic according to the recommendation of ACMG/AMP guideline.

NM_001845.6(COL4A1):c.1465G>A (p.Gly489Ser)

Gene: COL4A1 (collagen type IV alpha 1 chain; minus strand). Cytogenetic location: 13q34.
Variant type: single nucleotide variant.
Coding change: c.1465G>A on transcript NM_001845.6 (MANE Select); coding-DNA position 1465, G replaced by A.
Protein change: p.Gly489Ser; replaces glycine 489 with serine.
Molecular consequence: missense variant.
Genome position (GRCh38, 1-based): chr13:110,192,830, C>T on the plus strand (G>A on the coding strand, the complement: COL4A1 is on the minus strand). VCF-style: chr13-110192830-C-T. GRCh37 (hg19) VCF-style: chr13-110845177-C-T.
Other names: c.1465G>A, p.Gly489Ser (NM_001303110.2); short protein forms G489S.
Identifiers: ClinVar variation 2444401 (VCV002444401.1), dbSNP rs2501540839, ClinGen allele CA388723470.